The following is an entry in ClinVar:

NM_000548.5(TSC2):c.4827_4835delinsG (p.Cys1609fs)

Gene: TSC2 (TSC complex subunit 2; plus strand). Cytogenetic location: 16p13.3.
Variant type: Indel.
Coding change: c.4827_4835delinsG on transcript NM_000548.5 (MANE Select); coding-DNA positions 4827 to 4835, CTGGCACGA replaced by G.
Protein change: p.Cys1609fs; shifts the reading frame from cysteine 1609.
Molecular consequence: frameshift variant.
Genome position (GRCh38, 1-based): chr16:2,086,357-2,086,365, CTGGCACGA replaced by G. VCF-style: chr16-2086357-CTGGCACGA-G. GRCh37 (hg19) VCF-style: chr16-2136358-CTGGCACGA-G.
Other names: c.4626_4634delinsG, p.Cys1542fs (NM_001077183.3); c.4758_4766delinsG, p.Cys1586fs (NM_001114382.3); c.4518_4526delinsG, p.Cys1506fs (NM_001318827.2); c.4482_4490delinsG, p.Cys1494fs (NM_001318829.2); c.4095_4103delinsG, p.Cys1365fs (NM_001318831.2); c.4659_4667delinsG, p.Cys1553fs (NM_001318832.2); c.4629_4637delinsG, p.Cys1543fs (NM_001363528.2); c.4695_4703delinsG, p.Cys1565fs (NM_001370404.1); and 26 more; short protein forms C1565fs, C1609fs, C1365fs, C1506fs, C1543fs, C1553fs, C1566fs, C1494fs.
Identifiers: ClinVar variation 1743389 (VCV001743389.2), dbSNP rs2544381008, ClinGen allele CA2580091065.

ClinVar aggregate classification (germline): Pathogenic (1 of 4 stars; one submission).

Conditions:
Hereditary cancer-predisposing syndrome. Also called: Hereditary Cancer Syndrome; Neoplastic Syndromes, Hereditary; Tumor predisposition; Hereditary neoplastic syndrome. Identifiers: Orphanet 140162, MedGen C0027672, MeSH D009386, MONDO:0015356.

Submission:

Ambry Genetics
Classification: Pathogenic for Hereditary cancer-predisposing syndrome. Last evaluated: 2021-08-09. Review status: criteria provided, single submitter. Criteria: Ambry Variant Classification Scheme 2023. Collection method: clinical testing. Allele origin: germline.
Comment: The c.4827_4835delCTGGCACGAinsG pathogenic mutation, located in coding exon 36 of the TSC2 gene, results from the deletion of 9 nucleotides and insertion of one nucleotide causing a translational frameshift with a predicted alternate stop codon (p.C1609Wfs*2). This variant is considered to be rare based on population cohorts in the Genome Aggregation Database (gnomAD). This alteration is expected to result in loss of function by premature protein truncation or nonsense-mediated mRNA decay. As such, this alteration is interpreted as a disease-causing mutation.